The following is an entry in ClinVar:

NM_001127222.2(CACNA1A):c.2851G>A (p.Ala951Thr)

Gene: CACNA1A (calcium voltage-gated channel subunit alpha1 A; minus strand). Cytogenetic location: 19p13.13.
Variant type: single nucleotide variant.
Coding change: c.2851G>A on transcript NM_001127222.2 (MANE Select); coding-DNA position 2851, G replaced by A.
Protein change: p.Ala951Thr; replaces alanine 951 with threonine.
Molecular consequence: missense variant.
Genome position (GRCh38, 1-based): chr19:13,298,782, C>T on the plus strand (G>A on the coding strand, the complement: CACNA1A is on the minus strand). VCF-style: chr19-13298782-C-T. GRCh37 (hg19) VCF-style: chr19-13409596-C-T.
Other names: c.2863G>A, p.Ala955Thr (NM_000068.4, NM_023035.3); c.2854G>A, p.Ala952Thr (NM_001127221.2, NM_001174080.2); short protein forms A955T, A951T, A952T.
Identifiers: ClinVar variation 2943222 (VCV002943222.10), dbSNP rs2512906439, ClinGen allele CA404342593.

ClinVar aggregate classification (germline): Uncertain significance. Review status: criteria provided, multiple submitters, no conflicts (2 of 4 stars). 3 submissions from 3 submitters: Uncertain significance (3). Last evaluated 2025-12-01.

Conditions:
Episodic ataxia type 2 (EA2). Also called: ATAXIA, EPISODIC, WITH NYSTAGMUS; ATAXIA, FAMILIAL PAROXYSMAL; CEREBELLAR ATAXIA, PAROXYSMAL, ACETAZOLAMIDE-RESPONSIVE; CEREBELLOPATHY, HEREDITARY PAROXYSMAL; EPISODIC ATAXIA, NYSTAGMUS-ASSOCIATED; ACETAZOLAMIDE-RESPONSIVE HEREDITARY PAROXYSMAL CEREBELLAR ATAXIA. Identifiers: Orphanet 97, MedGen C1720416, MONDO:0007163, OMIM 108500.
Developmental and epileptic encephalopathy, 42 (DEE42A). Also called: Epileptic encephalopathy, early infantile, 42; DEVELOPMENTAL AND EPILEPTIC ENCEPHALOPATHY 42A; EPILEPTIC ENCEPHALOPATHY, EARLY INFANTILE, 42A. Identifiers: MedGen C4310716, MONDO:0014917, OMIM 617106.

Allele frequency attached by ClinVar (database versions not stated): gnomAD exomes below 0.00001.
gnomAD v4.1: 1 of 1,534,918 alleles (0.000065%); highest among the groups gnomAD compares: Non-Finnish European, 0.000087%; no homozygotes.

Submissions (3):

CeGaT Center for Human Genetics Tuebingen
Classification: Uncertain significance. Last evaluated: 2025-12-01. Review status: criteria provided, single submitter. Criteria: CeGaT Center For Human Genetics Tuebingen Variant Classification Criteria Version 2. Collection method: clinical testing. Allele origin: germline. Affected: yes. Observed: 1 variant allele.
Comment: CACNA1A: PM2, PP3

GeneDx
Classification: Uncertain significance. Last evaluated: 2025-01-16. Review status: criteria provided, single submitter. Criteria: GeneDx Variant Classification Process June 2021. Collection method: clinical testing. Allele origin: germline. Affected: yes.
Comment: Not observed at significant frequency in large population cohorts (gnomAD); In silico analysis indicates that this missense variant does not alter protein structure/function; Has not been previously published as pathogenic or benign to our knowledge

Labcorp Genetics (formerly Invitae), Labcorp
Classification: Uncertain significance for Developmental and epileptic encephalopathy, 42; Episodic ataxia type 2. Last evaluated: 2024-01-03. Review status: criteria provided, single submitter. Criteria: Invitae Variant Classification Sherloc (09022015). Collection method: clinical testing. Allele origin: germline.
Comment: This sequence change replaces alanine, which is neutral and non-polar, with threonine, which is neutral and polar, at codon 952 of the CACNA1A protein (p.Ala952Thr). This variant is not present in population databases (gnomAD no frequency). This variant has not been reported in the literature in individuals affected with CACNA1A-related conditions. Advanced modeling of protein sequence and biophysical properties (such as structural, functional, and spatial information, amino acid conservation, physicochemical variation, residue mobility, and thermodynamic stability) performed at Invitae indicates that this missense variant is not expected to disrupt CACNA1A protein function with a negative predictive value of 95%. In summary, the available evidence is currently insufficient to determine the role of this variant in disease. Therefore, it has been classified as a Variant of Uncertain Significance.